The following is an entry in ClinVar:

ClinVar aggregate classification (germline): Uncertain significance (1 of 4 stars; one submission).

Submission:

Labcorp Genetics (formerly Invitae), Labcorp
Classification: Uncertain significance. Last evaluated: 2021-12-11. Review status: criteria provided, single submitter. Criteria: Invitae Variant Classification Sherloc (09022015). Collection method: clinical testing. Allele origin: germline.
Comment: In summary, the available evidence is currently insufficient to determine the role of this variant in disease. Therefore, it has been classified as a Variant of Uncertain Significance. Algorithms developed to predict the effect of missense changes on protein structure and function (SIFT, PolyPhen-2, Align-GVGD) all suggest that this variant is likely to be tolerated. ClinVar contains an entry for this variant (Variation ID: 405849). This variant has not been reported in the literature in individuals affected with POLE-related conditions. This variant is not present in population databases (gnomAD no frequency). This sequence change replaces valine, which is neutral and non-polar, with leucine, which is neutral and non-polar, at codon 2204 of the POLE protein (p.Val2204Leu).

NM_006231.4(POLE):c.6610G>T (p.Val2204Leu)

Gene: POLE (DNA polymerase epsilon, catalytic subunit; minus strand). Cytogenetic location: 12q24.33.
Variant type: single nucleotide variant.
Coding change: c.6610G>T on transcript NM_006231.4 (MANE Select); coding-DNA position 6610, G replaced by T.
Protein change: p.Val2204Leu; replaces valine 2204 with leucine.
Molecular consequence: missense variant.
Genome position (GRCh38, 1-based): chr12:132,625,692, C>A on the plus strand (G>T on the coding strand, the complement: POLE is on the minus strand). VCF-style: chr12-132625692-C-A. GRCh37 (hg19) VCF-style: chr12-133202278-C-A.
Other names: short protein forms V2204L.
Identifiers: ClinVar variation 405849 (VCV000405849.6), dbSNP rs1060500871, ClinGen allele CA16613539.
Genomic context (GRCh38, chr12:132,625,692, plus strand): 5'-ATGCACGACTCACCAGGTCCTGCAGGGTGAAGGCCATCAGCTTCTTCTGTAGAACTTCCA[C>A]CAGCGTCATCTCGATGGCAGAGGAGTCGTAGGGCGCCTGACAGTTGGAGCAGAGCCACTG-3'
Protein context (NP_006222.2, residues 2194-2214): YDSSAIEMTL[Val2204Leu]EVLQKKLMAF